The following is an entry in ClinVar:

ClinVar aggregate classification (germline): Likely pathogenic (1 of 4 stars; one submission).

Submission:

Quest Diagnostics Nichols Institute San Juan Capistrano
Classification: Likely pathogenic. Last evaluated: 2024-06-17. Review status: criteria provided, single submitter. Criteria: ACMG/ClinGen CNV Guidelines, 2019. Collection method: clinical testing. Allele origin: unknown.
Comment: This loss involves RIMS1 (OMIM 606629) and KCNQ5 (OMIM 607357). Heterozygous loss- and gain-of-function variants of KCNQ5 are associated with autosomal dominant intellectual developmental disorder-46 (MRD46; OMIM 617601; Kruger 2022, Leu 2020, Rosti 2019, Wei 2022). In addition, loss-of-function variants of RIMS1 have been identified in individuals with various phenotypes (Dong 2014, Van der Sanden 2023, Wang 2016). There are no similar copy number losses of this region in the general populations of the Database of Genomic Variants. Thus, this CNV is classified as likely pathogenic. References: Dong et al., Cell Rep. 2014 Oct 9;9(1):16-23. PMID: 25284784; Kruger et al., EBioMedicine. 2022 Oct:84:104244. PMID: 36088682; Leu et al., Sci Rep. 2020 Sep 16;10(1):15205. doi: 10.1038/s41598-020-72101-8. PMID: 32938993; Rosti et al., Eur J Med Genet. 2019 Sep;62(9):103555. PMID:30359776; van der Sanden et al., Eur J Hum Genet. 2023 Jan;31(1):81-88. PMID: 36114283; Wang et al., Nat Commun. 2016 Nov 8:7:13316. PMID: 27824329; Wei et al., J Neurophysiol. 2022 Jul 1;128(1):40-61. PMID: 35583973

GRCh37/hg19 6q13(chr6:71236776-73908689)x1

Genes: B3GAT2 (beta-1,3-glucuronyltransferase 2; minus strand), FAM135A (family with sequence similarity 135 member A; plus strand), KCNQ5 (potassium voltage-gated channel subfamily Q member 5; plus strand), MIR30A (microRNA 30a; minus strand), OGFRL1 (opioid growth factor receptor like 1; plus strand) and 3 more. Cytogenetic location: 6q13.
Variant type: copy number loss.
Change: copy number 1 (one copy instead of two) of chr6:71,236,776-73,908,689 (2.67 Mb, GRCh37 coordinates, 1-based), cytogenetic band 6q13.
Identifiers: ClinVar variation 3391830 (VCV003391830.1).